The following is an entry in ClinVar:

ClinVar aggregate classification (germline): Uncertain significance. Review status: criteria provided, multiple submitters, no conflicts (2 of 4 stars). 2 submissions from 2 submitters: Uncertain significance (2). Last evaluated 2025-02-09.

Allele frequency attached by ClinVar (database versions not stated): gnomAD exomes 0.00001; ExAC 0.00002; gnomAD 0.00006; TOPMed 0.00008; ESP Exome Variant Server 0.00015.
gnomAD v4.1: 22 of 1,613,952 alleles (0.0014%); highest among the groups gnomAD compares: African/African-American, 0.024%; no homozygotes.

Submissions (2):

Ambry Genetics
Classification: Uncertain significance. Last evaluated: 2025-02-09. Review status: criteria provided, single submitter. Criteria: Ambry Variant Classification Scheme 2023. Collection method: clinical testing. Allele origin: germline.

Labcorp Genetics (formerly Invitae), Labcorp
Classification: Uncertain significance. Last evaluated: 2024-11-19. Review status: criteria provided, single submitter. Criteria: Invitae Variant Classification Sherloc (09022015). Collection method: clinical testing. Allele origin: germline.
Comment: This sequence change replaces glutamine, which is neutral and polar, with histidine, which is basic and polar, at codon 92 of the LRRC10 protein (p.Gln92His). This variant is present in population databases (rs375327073, gnomAD 0.03%). This variant has not been reported in the literature in individuals affected with LRRC10-related conditions. ClinVar contains an entry for this variant (Variation ID: 958295). An algorithm developed to predict the effect of missense changes on protein structure and function (PolyPhen-2) suggests that this variant is likely to be disruptive. In summary, the available evidence is currently insufficient to determine the role of this variant in disease. Therefore, it has been classified as a Variant of Uncertain Significance.

NM_201550.4(LRRC10):c.276G>C (p.Gln92His)

Gene: LRRC10 (leucine rich repeat containing 10; minus strand). Cytogenetic location: 12q15.
Variant type: single nucleotide variant.
Coding change: c.276G>C on transcript NM_201550.4 (MANE Select); coding-DNA position 276, G replaced by C.
Protein change: p.Gln92His; replaces glutamine 92 with histidine.
Molecular consequence: missense variant.
Genome position (GRCh38, 1-based): chr12:69,610,563, C>G on the plus strand (G>C on the coding strand, the complement: LRRC10 is on the minus strand). VCF-style: chr12-69610563-C-G. GRCh37 (hg19) VCF-style: chr12-70004343-C-G.
Other names: c.276G>C (NM_201550.2); short protein forms Q92H.
Identifiers: ClinVar variation 958295 (VCV000958295.12), dbSNP rs375327073, ClinGen allele CA6681095.